The following is an entry in ClinVar:

NC_000012.11:g.(?_33003694)_(33003913_?)del

Gene: PKP2 (plakophilin 2; minus strand). Cytogenetic location: 12p11.21.
Variant type: Deletion.
Identifiers: ClinVar variation 464405 (VCV000464405.1).

ClinVar aggregate classification (germline): Pathogenic (1 of 4 stars; one submission).

Conditions:
Arrhythmogenic right ventricular dysplasia 9 (ARVD9). Also called: Arrhythmogenic Right Ventricular Dysplasia/Cardiomyopathy 9; ARRHYTHMOGENIC RIGHT VENTRICULAR DYSPLASIA, FAMILIAL, 9. Identifiers: MedGen C1836906, MONDO:0012180, OMIM 609040.

Submission:

Labcorp Genetics (formerly Invitae), Labcorp
Classification: Pathogenic for Arrhythmogenic right ventricular dysplasia 9. Last evaluated: 2017-02-08. Review status: criteria provided, single submitter. Criteria: Invitae Variant Classification Sherloc (09022015). Collection method: clinical testing. Allele origin: germline.
Comment: This variant is a gross deletion of the genomic region encompassing exon 5 of the PKP2 gene. This creates a premature translational stop signal and is expected to result in an absent or disrupted protein product. While this particular variant has not been reported in the literature, loss-of-function variants in PKP2 are known to be pathogenic (PMID: 15489853). For these reasons, this variant has been classified as Pathogenic.